The following is an entry in ClinVar:

NM_003737.4(DCHS1):c.3150G>C (p.Gln1050His)

Gene: DCHS1 (dachsous cadherin-related 1; minus strand). Cytogenetic location: 11p15.4.
Variant type: single nucleotide variant.
Coding change: c.3150G>C on transcript NM_003737.4 (MANE Select); coding-DNA position 3150, G replaced by C.
Protein change: p.Gln1050His; replaces glutamine 1050 with histidine.
Molecular consequence: missense variant.
Genome position (GRCh38, 1-based): chr11:6,632,362, C>G on the plus strand (G>C on the coding strand, the complement: DCHS1 is on the minus strand). VCF-style: chr11-6632362-C-G. GRCh37 (hg19) VCF-style: chr11-6653593-C-G.
Other names: short protein forms Q1050H.
Identifiers: ClinVar variation 4847889 (VCV004847889.1).

ClinVar aggregate classification (germline): Uncertain significance (1 of 4 stars; one submission).

Submission:

Women's Health and Genetics/Laboratory Corporation of America, LabCorp
Classification: Uncertain significance. Last evaluated: 2026-02-11. Review status: criteria provided, single submitter. Criteria: LabCorp Variant Classification Summary - May 2015. Collection method: clinical testing. Allele origin: germline.
Comment: Variant summary: DCHS1 c.3150G>C (p.Gln1050His) results in a non-conservative amino acid change in the encoded protein sequence. Algorithms developed to predict the effect of missense changes on protein structure and function are either unavailable or do not agree on the potential impact of this missense change. The variant was absent in 251008 control chromosomes. The available data on variant occurrences in the general population are insufficient to allow any conclusion about variant significance. To our knowledge, no occurrence of c.3150G>C in individuals affected with DCHS1-related conditions and no experimental evidence demonstrating its impact on protein function have been reported. No submitters have cited clinical-significance assessments for this variant to ClinVar. Based on the evidence outlined above, the variant was classified as uncertain significance.